The following is an entry in ClinVar:

ClinVar aggregate classification (germline): Uncertain significance (1 of 4 stars; one submission).

Conditions:
Combined immunodeficiency due to DOCK8 deficiency (HIES2). Also called: HYPER-IgE SYNDROME 2, AUTOSOMAL RECESSIVE, WITH RECURRENT INFECTIONS; HYPER-IgE RECURRENT INFECTION SYNDROME 2, AUTOSOMAL RECESSIVE; HIES autosomal recessive; Hyper-IgE recurrent infection syndrome, autosomal recessive; DOCK8 Deficiency. Identifiers: Orphanet 217390, MedGen C4722305, MONDO:0009478, OMIM 243700.

gnomAD v4.1: 10 of 1,614,104 alleles (0.00062%); highest among the groups gnomAD compares: Non-Finnish European, 0.00068%; no homozygotes.

Submission:

Labcorp Genetics (formerly Invitae), Labcorp
Classification: Uncertain significance for Combined immunodeficiency due to DOCK8 deficiency. Last evaluated: 2025-06-22. Review status: criteria provided, single submitter. Criteria: Invitae Variant Classification Sherloc (09022015). Collection method: clinical testing. Allele origin: germline.
Comment: This sequence change replaces alanine, which is neutral and non-polar, with threonine, which is neutral and polar, at codon 174 of the DOCK8 protein (p.Ala174Thr). This variant is present in population databases (no rsID available, gnomAD 0.004%). This variant has not been reported in the literature in individuals affected with DOCK8-related conditions. Invitae Evidence Modeling of protein sequence and biophysical properties (such as structural, functional, and spatial information, amino acid conservation, physicochemical variation, residue mobility, and thermodynamic stability) indicates that this missense variant is not expected to disrupt DOCK8 protein function with a negative predictive value of 80%. In summary, the available evidence is currently insufficient to determine the role of this variant in disease. Therefore, it has been classified as a Variant of Uncertain Significance.

NM_203447.4(DOCK8):c.520G>A (p.Ala174Thr)

Gene: DOCK8 (dedicator of cytokinesis 8; plus strand). Cytogenetic location: 9p24.3.
Variant type: single nucleotide variant.
Coding change: c.520G>A on transcript NM_203447.4 (MANE Select); coding-DNA position 520, G replaced by A.
Protein change: p.Ala174Thr; replaces alanine 174 with threonine.
Molecular consequence: missense variant.
Genome position (GRCh38, 1-based): chr9:304,696, G>A. VCF-style: chr9-304696-G-A. GRCh37 (hg19) VCF-style: chr9-304696-G-A.
Other names: c.316G>A, p.Ala106Thr (NM_001190458.2, NM_001193536.2); short protein forms A106T, A174T.
Identifiers: ClinVar variation 4699061 (VCV004699061.1).